The following is an entry in ClinVar:

NM_000069.3(CACNA1S):c.2689A>G (p.Arg897Gly)

Gene: CACNA1S (calcium voltage-gated channel subunit alpha1 S; minus strand). Cytogenetic location: 1q32.1.
Variant type: single nucleotide variant.
Coding change: c.2689A>G on transcript NM_000069.3 (MANE Select); coding-DNA position 2689, A replaced by G.
Protein change: p.Arg897Gly; replaces arginine 897 with glycine.
Molecular consequence: missense variant.
Genome position (GRCh38, 1-based): chr1:201,066,285, T>C on the plus strand (A>G on the coding strand, the complement: CACNA1S is on the minus strand). VCF-style: chr1-201066285-T-C. GRCh37 (hg19) VCF-style: chr1-201035413-T-C.
Other names: short protein forms R897G.
Identifiers: ClinVar variation 806315 (VCV000806315.46), dbSNP rs1572039465, ClinGen allele CA344102568.

ClinVar aggregate classification (germline): Conflicting classifications of pathogenicity. Review status: criteria provided, conflicting classifications (1 of 4 stars). 2 submissions from 2 submitters: Likely pathogenic (1); Uncertain significance (1). Last evaluated 2022-11-08.

Conditions:
Hypokalemic periodic paralysis, type 1. Also called: Hypokalemic Periodic Paralysis Type 1 (AD); HypoPP. Identifiers: Orphanet 681, MedGen C3714580, MONDO:0042979, OMIM 170400.
Malignant hyperthermia, susceptibility to, 5 (MHS5). Also called: CACNA1S-Related Malignant Hyperthermia Susceptibility. Identifiers: Orphanet 423, MedGen C1866077, MONDO:0011163, OMIM 601887.

Submissions (2):

Labcorp Genetics (formerly Invitae), Labcorp
Classification: Uncertain significance for Hypokalemic periodic paralysis, type 1; Malignant hyperthermia, susceptibility to, 5. Last evaluated: 2022-11-08. Review status: criteria provided, single submitter. Criteria: Invitae Variant Classification Sherloc (09022015). Collection method: clinical testing. Allele origin: germline.
Comment: This sequence change replaces arginine, which is basic and polar, with glycine, which is neutral and non-polar, at codon 897 of the CACNA1S protein (p.Arg897Gly). In summary, the available evidence is currently insufficient to determine the role of this variant in disease. Therefore, it has been classified as a Variant of Uncertain Significance. This variant disrupts the p.Arg897 amino acid residue in CACNA1S. Other variant(s) that disrupt this residue have been determined to be pathogenic (PMID: 18835861, 22901280). This suggests that this residue is clinically significant, and that variants that disrupt this residue are likely to be disease-causing. Advanced modeling of protein sequence and biophysical properties (such as structural, functional, and spatial information, amino acid conservation, physicochemical variation, residue mobility, and thermodynamic stability) performed at Invitae indicates that this missense variant is not expected to disrupt CACNA1S protein function. ClinVar contains an entry for this variant (Variation ID: 806315). This variant has not been reported in the literature in individuals affected with CACNA1S-related conditions. This variant is not present in population databases (gnomAD no frequency).

CeGaT Center for Human Genetics Tuebingen
Classification: Likely pathogenic. Last evaluated: 2017-10-01. Review status: criteria provided, single submitter. Criteria: CeGaT Center For Human Genetics Tuebingen Variant Classification Criteria Version 2. Collection method: clinical testing. Allele origin: germline. Affected: yes. Observed: 1 variant allele.

Literature cited by the submitters: PubMed 18835861 (cited by Labcorp Genetics (formerly Invitae), Labcorp); PubMed 22901280 (cited by Labcorp Genetics (formerly Invitae), Labcorp).